The following is an entry in ClinVar:

ClinVar aggregate classification (germline): Uncertain significance (0 of 4 stars; one submission).

Conditions:
CUL4B-related disorder. Also called: CUL4B-related condition.

Submission:

PreventionGenetics, part of Exact Sciences
Classification: Uncertain significance for CUL4B-related condition. Last evaluated: 2024-03-12. Review status: no assertion criteria provided. Collection method: clinical testing. Allele origin: germline.
Comment: The CUL4B c.189_191delCAG variant is predicted to result in an in-frame deletion (p.Ser67del). To our knowledge, this variant has not been reported in the literature or in a large population database, indicating this variant is rare. At this time, the clinical significance of this variant is uncertain due to the absence of conclusive functional and genetic evidence.

NM_001079872.2(CUL4B):c.126CAG[3] (p.Ser49del)

Genes: CUL4B (cullin 4B; minus strand), LOC113845788 (Sharpr-MPRA regulatory region 11856; plus strand). Cytogenetic location: Xq24.
Variant type: Microsatellite.
Coding change: c.126CAG[3] on transcript NM_001079872.2 (MANE Select); three copies in a row of the 3-base unit CAG starting at c.126; the reference has four copies in a row; one copy, 3 bases deleted.
Protein change: p.Ser49del; deletes serine 49.
Molecular consequence: inframe deletion.
Genome position (GRCh38, 1-based): chrX:120,560,502-120,560,504, CTG deleted on the plus strand (CAG on the coding strand, the reverse complement: CUL4B is on the minus strand); deleting any 3 consecutive bases within chrX:120,560,502-120,560,513 gives the same sequence; the position shown is the placement nearest the transcript's 3' end. VCF-style (leftmost placement, unchanged base first): chrX-120560501-ACTG-A. GRCh37 (hg19) VCF-style: chrX-119694356-ACTG-A.
Other names: c.141CAG[3], p.Ser54del (NM_001330624.2); c.180CAG[3], p.Ser67del (NM_003588.4); short protein forms S49del, S54del, S67del.
Identifiers: ClinVar variation 3357496 (VCV003357496.1).
Genomic context (GRCh38, chrX:120,560,501, plus strand): 5'-GGAAGAGGAGGAAGAGGTGGAATCAAAGTCTTCTCTCTCGTTACTACTGTTACTGCTGCT[ACTG>A]CTGCTGCTGTTTAACTTTCTCTTCTTGGCAGAGGTGGGCGGAGTGGTGCTGGTATTACCA-3'